The following is an entry in ClinVar:

NM_001942.4(DSG1):c.1562C>T (p.Ser521Phe)

Gene: DSG1 (desmoglein 1; plus strand). Cytogenetic location: 18q12.1.
Variant type: single nucleotide variant.
Coding change: c.1562C>T on transcript NM_001942.4 (MANE Select); coding-DNA position 1562, C replaced by T.
Protein change: p.Ser521Phe; replaces serine 521 with phenylalanine.
Molecular consequence: missense variant.
Genome position (GRCh38, 1-based): chr18:31,339,900, C>T. VCF-style: chr18-31339900-C-T. GRCh37 (hg19) VCF-style: chr18-28919863-C-T.
Other names: c.1562C>T (NM_001942.2); short protein forms S521F.
Identifiers: ClinVar variation 3704051 (VCV003704051.3).

ClinVar aggregate classification (germline): Uncertain significance. Review status: criteria provided, multiple submitters, no conflicts (2 of 4 stars). 2 submissions from 2 submitters: Uncertain significance (2). Last evaluated 2025-04-19.

Conditions:
Inborn genetic diseases. Identifiers: MedGen C0950123, MeSH D030342.

gnomAD v4.1: 26 of 1,613,994 alleles (0.0016%); highest among the groups gnomAD compares: Non-Finnish European, 0.0022%; no homozygotes.

Submissions (2):

Labcorp Genetics (formerly Invitae), Labcorp
Classification: Uncertain significance. Last evaluated: 2025-04-19. Review status: criteria provided, single submitter. Criteria: Invitae Variant Classification Sherloc (09022015). Collection method: clinical testing. Allele origin: germline.
Comment: This sequence change replaces serine, which is neutral and polar, with phenylalanine, which is neutral and non-polar, at codon 521 of the DSG1 protein (p.Ser521Phe). This variant is present in population databases (rs769055041, gnomAD 0.002%). This variant has not been reported in the literature in individuals affected with DSG1-related conditions. ClinVar contains an entry for this variant (Variation ID: 3704051). An algorithm developed to predict the effect of missense changes on protein structure and function (PolyPhen-2) suggests that this variant is likely to be tolerated. In summary, the available evidence is currently insufficient to determine the role of this variant in disease. Therefore, it has been classified as a Variant of Uncertain Significance.

Ambry Genetics
Classification: Uncertain significance for Inborn genetic diseases. Last evaluated: 2024-12-24. Review status: criteria provided, single submitter. Criteria: Ambry Variant Classification Scheme 2023. Collection method: clinical testing. Allele origin: germline.